The following is an entry in ClinVar:

NM_000535.7(PMS2):c.1060G>T (p.Val354Phe)

Gene: PMS2 (PMS1 homolog 2, mismatch repair system component; minus strand). Cytogenetic location: 7p22.1.
Variant type: single nucleotide variant.
Coding change: c.1060G>T on transcript NM_000535.7 (MANE Select); coding-DNA position 1060, G replaced by T.
Protein change: p.Val354Phe; replaces valine 354 with phenylalanine.
Molecular consequence: missense variant. On other transcripts: non-coding transcript variant (1), intron variant (2).
Genome position (GRCh38, 1-based): chr7:5,989,884, C>A on the plus strand (G>T on the coding strand, the complement: PMS2 is on the minus strand). VCF-style: chr7-5989884-C-A. GRCh37 (hg19) VCF-style: chr7-6029515-C-A.
Other names: c.655G>T, p.Val219Phe (NM_001322003.2, NM_001322004.2, NM_001322005.2 and 1 more transcripts); c.742G>T, p.Val248Phe (NM_001322007.2, NM_001322008.2); c.127G>T, p.Val43Phe (NM_001322011.2, NM_001322012.2); c.487G>T, p.Val163Phe (NM_001322013.2); c.1060G>T, p.Val354Phe (NM_001322014.2); c.751G>T, p.Val251Phe (NM_001322015.2); c.583+2089G>T (NM_001322010.2); c.988+2089G>T (NM_001322006.2); short protein forms V219F, V251F, V354F, V163F, V248F, V43F.
Identifiers: ClinVar variation 656344 (VCV000656344.10), dbSNP rs750984324, ClinGen allele CA041793.

ClinVar aggregate classification (germline): Uncertain significance. Review status: criteria provided, multiple submitters, no conflicts (2 of 4 stars). 3 submissions from 3 submitters: Uncertain significance (3). Last evaluated 2025-09-01.

Conditions:
Hereditary nonpolyposis colorectal neoplasms. Identifiers: MedGen C0009405, MeSH D003123.
Hereditary cancer-predisposing syndrome. Also called: Hereditary neoplastic syndrome; Tumor predisposition; Neoplastic Syndromes, Hereditary; Hereditary Cancer Syndrome. Identifiers: Orphanet 140162, MedGen C0027672, MeSH D009386, MONDO:0015356.

Allele frequency attached by ClinVar (database versions not stated): ExAC 0.00002; gnomAD exomes 0.00001.

Submissions (3):

Labcorp Genetics (formerly Invitae), Labcorp
Classification: Uncertain significance for Hereditary nonpolyposis colorectal neoplasms. Last evaluated: 2025-09-01. Review status: criteria provided, single submitter. Criteria: Invitae Variant Classification Sherloc (09022015). Collection method: clinical testing. Allele origin: germline.
Comment: This sequence change replaces valine, which is neutral and non-polar, with phenylalanine, which is neutral and non-polar, at codon 354 of the PMS2 protein (p.Val354Phe). This variant is present in population databases (rs750984324, gnomAD 0.002%). This variant has not been reported in the literature in individuals affected with PMS2-related conditions. ClinVar contains an entry for this variant (Variation ID: 656344). Invitae Evidence Modeling incorporating data from in vitro experimental studies (internal data) indicates that this missense variant is not expected to disrupt PMS2 function with a negative predictive value of 95%. In summary, the available evidence is currently insufficient to determine the role of this variant in disease. Therefore, it has been classified as a Variant of Uncertain Significance.

Ambry Genetics
Classification: Uncertain significance for Hereditary cancer-predisposing syndrome. Last evaluated: 2024-10-04. Review status: criteria provided, single submitter. Criteria: Ambry Variant Classification Scheme 2023. Collection method: clinical testing. Allele origin: germline.
Comment: The p.V354F variant (also known as c.1060G>T), located in coding exon 10 of the PMS2 gene, results from a G to T substitution at nucleotide position 1060. The valine at codon 354 is replaced by phenylalanine, an amino acid with highly similar properties. This amino acid position is not well conserved in available vertebrate species. In addition, the in silico prediction for this alteration is inconclusive. Based on the available evidence, the clinical significance of this variant remains unclear.

Clinical Genetics Laboratory, Skane University Hospital Lund
Classification: Uncertain significance. Last evaluated: 2022-05-27. Review status: criteria provided, single submitter. Criteria: ACMG Guidelines, 2015. Collection method: clinical testing. Allele origin: germline. Affected: yes.